The following is an entry in ClinVar:

NM_001128840.3(CACNA1D):c.2304A>C (p.Glu768Asp)

Gene: CACNA1D (calcium voltage-gated channel subunit alpha1 D; plus strand). Cytogenetic location: 3p21.1.
Variant type: single nucleotide variant.
Coding change: c.2304A>C on transcript NM_001128840.3 (MANE Select); coding-DNA position 2304, A replaced by C.
Protein change: p.Glu768Asp; replaces glutamic acid 768 with aspartic acid.
Molecular consequence: missense variant.
Genome position (GRCh38, 1-based): chr3:53,730,524, A>C. VCF-style: chr3-53730524-A-C. GRCh37 (hg19) VCF-style: chr3-53764551-A-C.
Other names: c.2364A>C, p.Glu788Asp (NM_000720.4); c.2304A>C, p.Glu768Asp (NM_001128839.3); short protein forms E788D, E768D.
Identifiers: ClinVar variation 2764214 (VCV002764214.3), dbSNP rs2473768363, ClinGen allele CA353240562.
Genomic context (GRCh38, chr3:53,730,524, plus strand): 5'-GGCCATCGCTGTAGACAATTTGGCTGATGCTGAAAGTCTGAACACTGCTCAGAAAGAAGA[A>C]GCGGAAGAAAAGGAGAGGAAAAAGATTGCCAGGTAACCCTATTTTCCCCTGACGTGTTTG-3'
Protein context (NP_001122312.1, residues 758-778): AESLNTAQKE[Glu768Asp]AEEKERKKIA

ClinVar aggregate classification (germline): Uncertain significance (1 of 4 stars; one submission).

Allele frequency attached by ClinVar (database versions not stated): gnomAD exomes below 0.00001.
gnomAD v4.1: 1 of 1,614,094 alleles (0.000062%); highest among the groups gnomAD compares: Non-Finnish European, 0.000085%; no homozygotes.

Submission:

Labcorp Genetics (formerly Invitae), Labcorp
Classification: Uncertain significance. Last evaluated: 2023-11-17. Review status: criteria provided, single submitter. Criteria: Invitae Variant Classification Sherloc (09022015). Collection method: clinical testing. Allele origin: germline.
Comment: This sequence change replaces glutamic acid, which is acidic and polar, with aspartic acid, which is acidic and polar, at codon 788 of the CACNA1D protein (p.Glu788Asp). This variant is not present in population databases (gnomAD no frequency). This variant has not been reported in the literature in individuals affected with CACNA1D-related conditions. Advanced modeling of protein sequence and biophysical properties (such as structural, functional, and spatial information, amino acid conservation, physicochemical variation, residue mobility, and thermodynamic stability) performed at Invitae indicates that this missense variant is not expected to disrupt CACNA1D protein function with a negative predictive value of 80%. In summary, the available evidence is currently insufficient to determine the role of this variant in disease. Therefore, it has been classified as a Variant of Uncertain Significance.